The following is an entry in ClinVar:

ClinVar aggregate classification (germline): Uncertain significance. Review status: criteria provided, multiple submitters, no conflicts (2 of 4 stars). 2 submissions from 2 submitters: Uncertain significance (2). Last evaluated 2025-10-11.

Conditions:
Inborn genetic diseases. Identifiers: MedGen C0950123, MeSH D030342.
Amyotrophic lateral sclerosis type 1 (ALS1). Also called: AMYOTROPHIC LATERAL SCLEROSIS 1, FAMILIAL. Identifiers: Orphanet 803, MedGen C1862939, MONDO:0007103, OMIM 105400.
Perry syndrome. Also called: PARKINSONISM WITH ALVEOLAR HYPOVENTILATION AND MENTAL DEPRESSION. Identifiers: Orphanet 178509, MedGen C1868594, MONDO:0008201, OMIM 168605.
Neuronopathy, distal hereditary motor, type 7B. Also called: HMN VIIB; LOWER MOTOR NEURON DISEASE, DYNACTIN TYPE; Distal Hereditary Motor Neuronopathy Type 7B (dHMN7B); NEURONOPATHY, DISTAL HEREDITARY MOTOR, AUTOSOMAL DOMINANT 14; NEURONOPATHY, DISTAL HEREDITARY MOTOR, HARDING TYPE VIIB; NEUROPATHY, DISTAL HEREDITARY MOTOR, HARDING TYPE VIIB. Identifiers: Orphanet 139589, MedGen C1843315, MONDO:0011879, OMIM 607641.

Allele frequency attached by ClinVar (database versions not stated): gnomAD exomes below 0.00001 and 0.00001; TOPMed below 0.00001; ExAC 0.00001.
gnomAD v4.1: 2 of 1,614,170 alleles (0.00012%); highest among the groups gnomAD compares: East Asian, 0.0022%; no homozygotes.

Submissions (2):

Labcorp Genetics (formerly Invitae), Labcorp
Classification: Uncertain significance for Amyotrophic lateral sclerosis type 1; Neuronopathy, distal hereditary motor, type 7B; Perry syndrome. Last evaluated: 2025-10-11. Review status: criteria provided, single submitter. Criteria: Invitae Variant Classification Sherloc (09022015). Collection method: clinical testing. Allele origin: germline.
Comment: This sequence change replaces proline, which is neutral and non-polar, with leucine, which is neutral and non-polar, at codon 1051 of the DCTN1 protein (p.Pro1051Leu). This variant is present in population databases (rs746148076, gnomAD 0.003%). This variant has not been reported in the literature in individuals affected with DCTN1-related conditions. ClinVar contains an entry for this variant (Variation ID: 933697). Invitae Evidence Modeling of protein sequence and biophysical properties (such as structural, functional, and spatial information, amino acid conservation, physicochemical variation, residue mobility, and thermodynamic stability) indicates that this missense variant is not expected to disrupt DCTN1 protein function with a negative predictive value of 95%. In summary, the available evidence is currently insufficient to determine the role of this variant in disease. Therefore, it has been classified as a Variant of Uncertain Significance.

Ambry Genetics
Classification: Uncertain significance for Inborn genetic diseases. Last evaluated: 2021-08-31. Review status: criteria provided, single submitter. Criteria: Ambry Variant Classification Scheme 2023. Collection method: clinical testing. Allele origin: germline.
Comment: The p.P1051L variant (also known as c.3152C>T), located in coding exon 26 of the DCTN1 gene, results from a C to T substitution at nucleotide position 3152. The proline at codon 1051 is replaced by leucine, an amino acid with similar properties. This amino acid position is conserved. In addition, this alteration is predicted to be tolerated by in silico analysis. Since supporting evidence is limited at this time, the clinical significance of this alteration remains unclear.

NM_004082.5(DCTN1):c.3152C>T (p.Pro1051Leu)

Gene: DCTN1 (dynactin subunit 1; minus strand). Cytogenetic location: 2p13.1.
Variant type: single nucleotide variant.
Coding change: c.3152C>T on transcript NM_004082.5 (MANE Select); coding-DNA position 3152, C replaced by T.
Protein change: p.Pro1051Leu; replaces proline 1051 with leucine.
Molecular consequence: missense variant. On other transcripts: non-coding transcript variant (1).
Genome position (GRCh38, 1-based): chr2:74,365,119, G>A on the plus strand (C>T on the coding strand, the complement: DCTN1 is on the minus strand). VCF-style: chr2-74365119-G-A. GRCh37 (hg19) VCF-style: chr2-74592246-G-A.
Other names: c.3092C>T, p.Pro1031Leu (NM_001135040.3); c.2750C>T, p.Pro917Leu (NM_001135041.3, NM_023019.4); c.3041C>T, p.Pro1014Leu (NM_001190836.2); c.3131C>T, p.Pro1044Leu (NM_001190837.2); c.3101C>T, p.Pro1034Leu (NM_001378991.1); c.3083C>T, p.Pro1028Leu (NM_001378992.1); short protein forms P1034L, P1014L, P1028L, P1044L, P1051L, P917L, P1031L.
Identifiers: ClinVar variation 933697 (VCV000933697.10), dbSNP rs746148076, ClinGen allele CA1721613.